The following is an entry in ClinVar:

NM_145239.3(PRRT2):c.1023A>G (p.Ter341Trp)

Genes: MVP-DT (MVP divergent transcript; minus strand), PRRT2 (proline rich transmembrane protein 2; plus strand). Cytogenetic location: 16p11.2.
Variant type: single nucleotide variant.
Coding change: c.1023A>G on transcript NM_145239.3 (MANE Select); coding-DNA position 1023, A replaced by G.
Protein change: p.Ter341Trp.
Molecular consequence: stop lost. On other transcripts: 3 prime UTR variant (1).
Genome position (GRCh38, 1-based): chr16:29,814,638, A>G. VCF-style: chr16-29814638-A-G. GRCh37 (hg19) VCF-style: chr16-29825959-A-G.
Other names: c.1185A>G, p.Ter395Trp (NM_001256442.2); c.*684A>G (NM_001256443.2).
Identifiers: ClinVar variation 2028976 (VCV002028976.4), dbSNP rs2543340526, ClinGen allele CA395481607.
Genomic context (GRCh38, chr16:29,814,638, plus strand): 5'-CTCCTTGTCTCCCCCTCCCCCCGTCTGTCCTTCCCTCTCCTCTCCCACAGTGTATAAGTG[A>G]GGGGCTCTGCCCCGCATCCCAAGACTTTTCTTCCTGTTGGGAGCTGCCTTGGGCCCATCC-3'

ClinVar aggregate classification (germline): Uncertain significance (1 of 4 stars; one submission).

Conditions:
Episodic kinesigenic dyskinesia (EKD). Also called: Paroxysmal kinesigenic dyskinesia. Identifiers: Orphanet 98809, MedGen C1868682, MONDO:0044202.

Submission:

Labcorp Genetics (formerly Invitae), Labcorp
Classification: Uncertain significance for Episodic kinesigenic dyskinesia. Last evaluated: 2023-01-15. Review status: criteria provided, single submitter. Criteria: Invitae Variant Classification Sherloc (09022015). Collection method: clinical testing. Allele origin: germline.
Comment: This variant is not present in population databases (gnomAD no frequency). In summary, the available evidence is currently insufficient to determine the role of this variant in disease. Therefore, it has been classified as a Variant of Uncertain Significance. This variant results in an extension of the PRRT2 protein. Other variant(s) that result in a similarly extended protein product (p.*341Argext*28, p.*341Trpext*28) have been observed in individuals with PRRT2-related disease (PMID: 24101679, 24370076, 34649875). This suggests that these extensions may be clinically significant. Experimental studies and prediction algorithms are not available or were not evaluated, and the functional significance of this variant is currently unknown. This variant has not been reported in the literature in individuals affected with PRRT2-related conditions. This sequence change disrupts the translational stop signal of the PRRT2 mRNA. It is expected to extend the length of the PRRT2 protein by 28 additional amino acid residues.

Literature cited by the submitters: PubMed 24101679; PubMed 24370076; PubMed 34649875.